The following continues an entry in ClinVar:

NM_000059.4(BRCA2):c.7558C>T (p.Arg2520Ter)

Gene: BRCA2. ClinVar aggregate classification (germline): Pathogenic. Pathogenic (1).

Submissions 23 to 40 of 42:

GeneDx
Classification: Pathogenic. Last evaluated: 2020-02-20. Review status: criteria provided, single submitter. Criteria: GeneDx Variant Classification Process June 2021. Collection method: clinical testing. Allele origin: germline. Affected: yes. Not counted in ClinVar's aggregate classification.
Comment: Nonsense variant predicted to result in protein truncation or nonsense mediated decay in a gene for which loss-of-function is a known mechanism of disease; Observed in individuals with a personal and family history consistent with pathogenic variants in this gene (Hakansson 1997, Malander 2004, Pal 2005, Yang 2011, Bayraktar 2012, Schultheis 2014, Nakamura 2015, Wong-Brown 2015, Kwong 2016); Not observed at a significant frequency in large population cohorts (gnomAD); Truncating variants in this gene are considered pathogenic by a well-established clinical consortium and/or database; This variant is associated with the following publications: (PMID: 25525159, 25863477, 26315209, 26296701, 27067391, 28188963, 28008555, 29339979, 9150154, 24959366, 24249303, 21990299, 21913181, 20104584, 14981104, 14746861, 25682074, 27157322, 22009639, 25637381, 25985138, 25085752, 16284991, 28194609, 29433453, 28831036, 27989354, 28724667, 30050867, 29360550, 28993434, 30720863, 29446198, 30720243, 30706003, 30702160, 30322717, 32846166, 33646313, 31447099, 32853339, 31825140, 32719484, 32338768, 30787465, 33087929)

Laboratory for Molecular Medicine, Mass General Brigham Personalized Medicine
Classification: Pathogenic for Hereditary breast ovarian cancer syndrome. Last evaluated: 2019-04-24. Review status: criteria provided, single submitter. Criteria: LMM Criteria. Collection method: clinical testing. Allele origin: germline. Inheritance: Autosomal dominant inheritance. Observed: 5 variant alleles. Not counted in ClinVar's aggregate classification.
Comment: The p.Arg2520X variant in BRCA2 has been reported in >40 individuals with BRCA2-associated cancers (HÃ kansson 1997, Bayraktar 2012, CastÃ©ra 2014, Schultheis 2014, Breast Cancer Information Core (BIC) database), and segregated with associated cancers in 2 affected relatives from 1 family. This variant has also been identified in 3/113554 European chromosomes by the Genome Aggregation Database (GnomAD); however, this frequency is low enough to be consistent with the frequency of hereditary breast and ovarian cancer (HBOC) in the general population This nonsense variant leads to a premature termination codon at position 2520, which is predicted to lead to a truncated or absent protein. Heterozygous loss of BRCA2 function is an established disease mechanism in hereditary breast and ovarian cancer (HBOC). In summary, this variant meets criteria to be classified as pathogenic for HBOC in an autosomal dominant manner based on the low frequency in controls, presence in affected individuals, and predicted impact to the protein. ACMG/AMP Criteria applied: PVS1, PS4, PM2_Supporting.

Human Genome Sequencing Center Clinical Lab, Baylor College of Medicine
Classification: Pathogenic for Breast-ovarian cancer, familial, susceptibility to, 2. Last evaluated: 2018-01-14. Review status: criteria provided, single submitter. Criteria: ACMG Guidelines, 2015. Collection method: clinical testing. Allele origin: germline. Not counted in ClinVar's aggregate classification.
Comment: This c.7558C>T (p.Arg2520*) variant in exon 15 of the BRCA2 gene creates a premature translation termination codon and is predicted to result in loss of function through nonsense-mediated mRNA decay or by producing a truncated protein, which is a known disease mechanism for this gene. This variant has been reported in multiple hereditary breast and ovarian cancer patients (PMID: 9150154, 21990299, 22009639, 24959366, 25863477, 16284991, 25525159) and an individual with pancreatic cancer (PMID: 24959366). The c.7558C>T (p.Arg2520*) variant in the BRCA2 gene is classified as pathogenic.

Department of Pathology and Molecular Medicine, Queen's University
Classification: Pathogenic for Hereditary breast ovarian cancer syndrome. Last evaluated: 2017-04-20. Review status: criteria provided, single submitter. Criteria: ACMG Guidelines, 2015. Collection method: clinical testing. Allele origin: germline. Study: The Canadian Open Genetics Repository (COGR). Not counted in ClinVar's aggregate classification.

Women's Health and Genetics/Laboratory Corporation of America, LabCorp
Classification: Pathogenic for Hereditary breast ovarian cancer syndrome. Last evaluated: 2016-09-15. Review status: criteria provided, single submitter. Criteria: LabCorp Variant Classification Summary - May 2015. Collection method: clinical testing. Allele origin: germline. Not counted in ClinVar's aggregate classification.
Comment: Variant summary: The BRCA2 c.7558C>T (p.Arg2520X) variant results in a premature termination codon, predicted to cause a truncated or absent BRCA2 protein due to nonsense mediated decay, which are commonly known mechanisms for disease. If a protein product is made, it is predicted to truncate the helical domain, nucleic acid-binding/OB-fold domain, tower domain, and oligonucleotide/oligosaccharide-binding 1 domain (via InterPro). Truncations downstream of this position have been classified as pathogenic by our laboratory (e.g.7721G>A/p.Trp2574X). One in silico tool predicts a damaging outcome for this variant. This variant was found in 3/120748 control chromosomes at a frequency of 0.0000248, which does not exceed the estimated maximal expected allele frequency of a pathogenic BRCA2 variant (0.0007503). This variant has been reported in many HBOC patients in the literature. In addition, multiple clinical diagnostic laboratories/reputable databases classified this variant as pathogenic. Taken together, this variant is classified as pathogenic.

Clinical Genetics and Genomics, Karolinska University Hospital
Classification: Pathogenic. Last evaluated: 2016-09-14. Review status: criteria provided, single submitter. Criteria: ACMG Guidelines, 2015. Collection method: clinical testing. Allele origin: germline. Affected: yes. Observed: 7 variant alleles. Not counted in ClinVar's aggregate classification.

University of Washington Department of Laboratory Medicine, University of Washington
Classification: Pathogenic for Breast-ovarian cancer, familial, susceptibility to, 1. Last evaluated: 2015-11-20. Review status: criteria provided, single submitter. Criteria: Shirts et al. (Genet Med 2016). Collection method: clinical testing. Allele origin: germline. Affected: yes. Observed: 2 variant alleles. Not counted in ClinVar's aggregate classification.

Consortium of Investigators of Modifiers of BRCA1/2 (CIMBA), c/o University of Cambridge
Classification: Pathogenic for Breast-ovarian cancer, familial, susceptibility to, 2. Last evaluated: 2015-10-02. Review status: criteria provided, single submitter. Criteria: CIMBA Mutation Classification guidelines May 2016. Collection method: clinical testing. Allele origin: germline. Not counted in ClinVar's aggregate classification.

Clinical Genetics DNA and cytogenetics Diagnostics Lab, Erasmus MC, Erasmus Medical Center
Classification: Pathogenic for Breast-ovarian cancer, familial, susceptibility to, 2. Last evaluated: 2015-09-21. Review status: criteria provided, single submitter. Criteria: ACGS Guidelines, 2013. Collection method: clinical testing. Allele origin: germline. Affected: yes. Study: VKGL Data-share Consensus. Not counted in ClinVar's aggregate classification.

Department of Medical Genetics, Oslo University Hospital
Classification: Pathogenic for Breast-ovarian cancer, familial, susceptibility to, 2. Last evaluated: 2015-07-01. Review status: criteria provided, single submitter. Criteria: ACMG Guidelines, 2015. Collection method: clinical testing. Allele origin: germline. Affected: yes. Observed: 14 variant alleles. Not counted in ClinVar's aggregate classification.

Juno Genomics, Hangzhou Juno Genomics, Inc
Classification: Pathogenic for Familial cancer of breast; Breast-ovarian cancer, familial, susceptibility to, 2; Glioma susceptibility 3; Medulloblastoma; Pancreatic cancer, susceptibility to, 2; Familial prostate cancer; Fanconi anemia complementation group D1; Wilms tumor 1. Review status: criteria provided, single submitter. Criteria: ACMG Guidelines, 2015. Collection method: clinical testing. Allele origin: germline. Not counted in ClinVar's aggregate classification.
Comment: Null variant in a gene where loss of function (LOF) is a known mechanism of disease.;Novel missense change at an amino acid residue where a different missense change determined to be pathogenic has been seen before.

BRCAlab, Lund University
Classification: Pathogenic for Breast-ovarian cancer, familial, susceptibility to, 2. Last evaluated: 2022-08-26. Review status: no assertion criteria provided. Collection method: clinical testing. Allele origin: germline. Affected: yes. Not counted in ClinVar's aggregate classification.

Counsyl
Classification: Pathogenic for Breast-ovarian cancer, familial, susceptibility to, 2. Last evaluated: 2016-08-16. Review status: no assertion criteria provided. Collection method: clinical testing. Allele origin: unknown. Not counted in ClinVar's aggregate classification.

CSER _CC_NCGL, University of Washington
Classification: Pathogenic for Breast cancer. Last evaluated: 2014-06-01. Review status: no assertion criteria provided. Collection method: research. Allele origin: germline. Inheritance: Autosomal dominant inheritance. Study: ESP 6500 variant annotation. Not counted in ClinVar's aggregate classification.
Comment: Variants classified for the Actionable exomic incidental findings in 6503 participants: challenges of variant classification manuscript

Research Molecular Genetics Laboratory, Women's College Hospital, University of Toronto
Classification: Pathogenic for Hereditary breast ovarian cancer syndrome. Last evaluated: 2014-01-31. Review status: no assertion criteria provided. Collection method: research. Allele origin: germline. Affected: yes. Study: The Canadian Open Genetics Repository (COGR). Not counted in ClinVar's aggregate classification.

Sharing Clinical Reports Project (SCRP)
Classification: Pathogenic for Breast-ovarian cancer, familial 2. Last evaluated: 2013-03-14. Review status: no assertion criteria provided. Collection method: clinical testing. Allele origin: germline. Not counted in ClinVar's aggregate classification.

Breast Cancer Information Core (BIC) (BRCA2)
Classification: Pathogenic for Breast-ovarian cancer, familial 2. Last evaluated: 2002-05-29. Review status: no assertion criteria provided. Collection method: clinical testing. Allele origin: germline. Affected: yes. Observed: 45 variant alleles. Not counted in ClinVar's aggregate classification.

Center for Precision Medicine, Meizhou People's Hospital
Classification: Pathogenic for Familial cancer of breast. Review status: no assertion criteria provided. Collection method: literature only. Allele origin: germline. Affected: yes. Not counted in ClinVar's aggregate classification.